The following is an entry in ClinVar:

NM_001200.4(BMP2):c.46G>A (p.Val16Ile)

Gene: BMP2 (bone morphogenetic protein 2; plus strand). Cytogenetic location: 20p12.3.
Variant type: single nucleotide variant.
Coding change: c.46G>A on transcript NM_001200.4 (MANE Select); coding-DNA position 46, G replaced by A.
Protein change: p.Val16Ile; replaces valine 16 with isoleucine.
Molecular consequence: missense variant.
Genome position (GRCh38, 1-based): chr20:6,770,172, G>A. VCF-style: chr20-6770172-G-A. GRCh37 (hg19) VCF-style: chr20-6750819-G-A.
Other names: short protein forms V16I.
Identifiers: ClinVar variation 3622934 (VCV003622934.2).

ClinVar aggregate classification (germline): Uncertain significance (1 of 4 stars; one submission).

Submission:

Labcorp Genetics (formerly Invitae), Labcorp
Classification: Uncertain significance. Last evaluated: 2024-03-24. Review status: criteria provided, single submitter. Criteria: Invitae Variant Classification Sherloc (09022015). Collection method: clinical testing. Allele origin: germline.
Comment: This sequence change replaces valine, which is neutral and non-polar, with isoleucine, which is neutral and non-polar, at codon 16 of the BMP2 protein (p.Val16Ile). This variant is not present in population databases (gnomAD no frequency). This variant has not been reported in the literature in individuals affected with BMP2-related conditions. An algorithm developed to predict the effect of missense changes on protein structure and function (PolyPhen-2) suggests that this variant is likely to be tolerated. In summary, the available evidence is currently insufficient to determine the role of this variant in disease. Therefore, it has been classified as a Variant of Uncertain Significance.